The following is an entry in ClinVar:

NM_000257.4(MYH7):c.5779A>G (p.Ile1927Val)

Gene: MYH7 (myosin heavy chain 7; minus strand). Cytogenetic location: 14q11.2.
Variant type: single nucleotide variant.
Coding change: c.5779A>G on transcript NM_000257.4 (MANE Select); coding-DNA position 5779, A replaced by G.
Protein change: p.Ile1927Val; replaces isoleucine 1927 with valine.
Molecular consequence: missense variant.
Genome position (GRCh38, 1-based): chr14:23,413,770, T>C on the plus strand (A>G on the coding strand, the complement: MYH7 is on the minus strand). VCF-style: chr14-23413770-T-C. GRCh37 (hg19) VCF-style: chr14-23882979-T-C.
Other names: c.5779A>G, p.Ile1927Val (NM_001407004.1); short protein forms I1927V.
Identifiers: ClinVar variation 4756893 (VCV004756893.1).

ClinVar aggregate classification (germline): Uncertain significance (1 of 4 stars; one submission).

Conditions:
Cardiomyopathy (CMYO). Also called: Cardiomyopathies. Identifiers: Orphanet 167848, MedGen C0878544, MONDO:0004994, HP:0001638. Inheritance: Various modes of inheritance.

Submission:

Color Diagnostics, LLC DBA Color Health
Classification: Uncertain significance for Cardiomyopathy. Last evaluated: 2025-06-29. Review status: criteria provided, single submitter. Criteria: ACMG Guidelines, 2015. Collection method: clinical testing. Allele origin: germline.
Comment: This missense variant replaces isoleucine with valine at codon 1927 of the MYH7 protein. Computational prediction suggests that this variant may not impact protein structure and function. To our knowledge, functional studies have not been reported for this variant. This variant has not been reported in individuals affected with MYH7-related disorders in the literature. This variant has not been identified in the general population by the Genome Aggregation Database (gnomAD). The available evidence is insufficient to determine the role of this variant in disease conclusively. Therefore, this variant is classified as a Variant of Uncertain Significance.